The following is an entry in ClinVar:

NM_031483.7(ITCH):c.83A>G (p.Lys28Arg)

Gene: ITCH (itchy E3 ubiquitin protein ligase; plus strand). Cytogenetic location: 20q11.22.
Variant type: single nucleotide variant.
Coding change: c.83A>G on transcript NM_031483.7 (MANE Select); coding-DNA position 83, A replaced by G.
Protein change: p.Lys28Arg; replaces lysine 28 with arginine.
Molecular consequence: missense variant. On other transcripts: intron variant (1).
Genome position (GRCh38, 1-based): chr20:34,408,663, A>G. VCF-style: chr20-34408663-A-G. GRCh37 (hg19) VCF-style: chr20-32996469-A-G.
Other names: c.83A>G, p.Lys28Arg (NM_001257137.3, NM_001324197.2, NM_001324198.2); c.-118-3852A>G (NM_001257138.3); c.83A>G (NM_031483.4); short protein forms K28R.
Identifiers: ClinVar variation 581061 (VCV000581061.8), dbSNP rs373940007, ClinGen allele CA9821235.

ClinVar aggregate classification (germline): Uncertain significance. Review status: criteria provided, multiple submitters, no conflicts (2 of 4 stars). 2 submissions from 2 submitters: Uncertain significance (2). Last evaluated 2025-04-03.

Conditions:
Syndromic multisystem autoimmune disease due to ITCH deficiency. Also called: AUTOIMMUNE DISEASE, MULTISYSTEM, WITH FACIAL DYSMORPHISM. Identifiers: Orphanet 228426, MedGen C3150649, MONDO:0013245, OMIM 613385.
Inborn genetic diseases. Identifiers: MedGen C0950123, MeSH D030342.

Allele frequency attached by ClinVar (database versions not stated): TOPMed 0.00025; ExAC 0.00014; gnomAD exomes 0.00018 and 0.00024; gnomAD 0.00024 and 0.00023; ESP Exome Variant Server 0.00015.
gnomAD v4.1: 395 of 1,613,326 alleles (0.024%); highest among the groups gnomAD compares: Admixed American, 0.062%; 1 homozygote.

Submissions (2):

Ambry Genetics
Classification: Uncertain significance for Inborn genetic diseases. Last evaluated: 2025-04-03. Review status: criteria provided, single submitter. Criteria: Ambry Variant Classification Scheme 2023. Collection method: clinical testing. Allele origin: germline.

Labcorp Genetics (formerly Invitae), Labcorp
Classification: Uncertain significance for Syndromic multisystem autoimmune disease due to ITCH deficiency. Last evaluated: 2022-06-14. Review status: criteria provided, single submitter. Criteria: Invitae Variant Classification Sherloc (09022015). Collection method: clinical testing. Allele origin: germline.
Comment: This sequence change replaces lysine, which is basic and polar, with arginine, which is basic and polar, at codon 28 of the ITCH protein (p.Lys28Arg). This variant is present in population databases (rs373940007, gnomAD 0.05%). This variant has not been reported in the literature in individuals affected with ITCH-related conditions. ClinVar contains an entry for this variant (Variation ID: 581061). Algorithms developed to predict the effect of missense changes on protein structure and function are either unavailable or do not agree on the potential impact of this missense change (SIFT: "Not Available"; PolyPhen-2: "Probably Damaging"; Align-GVGD: "Not Available"). In summary, the available evidence is currently insufficient to determine the role of this variant in disease. Therefore, it has been classified as a Variant of Uncertain Significance.